The following is an entry in ClinVar:

ClinVar aggregate classification (germline): Uncertain significance (1 of 4 stars; one submission).

gnomAD v4.1: 58 of 1,613,346 alleles (0.0036%); highest among the groups gnomAD compares: Non-Finnish European, 0.0047%; no homozygotes.

Submission:

Labcorp Genetics (formerly Invitae), Labcorp
Classification: Uncertain significance. Last evaluated: 2025-09-28. Review status: criteria provided, single submitter. Criteria: Invitae Variant Classification Sherloc (09022015). Collection method: clinical testing. Allele origin: germline.
Comment: This sequence change replaces alanine, which is neutral and non-polar, with glycine, which is neutral and non-polar, at codon 281 of the ALPK1 protein (p.Ala281Gly). This variant is present in population databases (rs763792725, gnomAD 0.003%). This variant has not been reported in the literature in individuals affected with ALPK1-related conditions. ClinVar contains an entry for this variant (Variation ID: 3671349). Invitae Evidence Modeling of protein sequence and biophysical properties (such as structural, functional, and spatial information, amino acid conservation, physicochemical variation, residue mobility, and thermodynamic stability) indicates that this missense variant is expected to disrupt ALPK1 protein function with a positive predictive value of 80%. In summary, the available evidence is currently insufficient to determine the role of this variant in disease. Therefore, it has been classified as a Variant of Uncertain Significance.

NM_025144.4(ALPK1):c.842C>G (p.Ala281Gly)

Gene: ALPK1 (alpha kinase 1; plus strand). Cytogenetic location: 4q25.
Variant type: single nucleotide variant.
Coding change: c.842C>G on transcript NM_025144.4 (MANE Select); coding-DNA position 842, C replaced by G.
Protein change: p.Ala281Gly; replaces alanine 281 with glycine.
Molecular consequence: missense variant.
Genome position (GRCh38, 1-based): chr4:112,429,195, C>G. VCF-style: chr4-112429195-C-G. GRCh37 (hg19) VCF-style: chr4-113350351-C-G.
Other names: c.842C>G, p.Ala281Gly (NM_001102406.2); c.608C>G, p.Ala203Gly (NM_001253884.2); short protein forms A281G, A203G.
Identifiers: ClinVar variation 3671349 (VCV003671349.2).
Genomic context (GRCh38, chr4:112,429,195, plus strand): 5'-CTGTTTTCTCACAGAGCCTGCTGAAGGAGTTTGACCACCATTTGCTGTCCGCTGCAGAAG[C>G]CTGCAAGCTGGCAGCTGCCTTCAGTGCCTATACGCCGCTCTTCGTGCTCACAGCTGTGGT-3'
Protein context (NP_079420.3, residues 271-291): FDHHLLSAAE[Ala281Gly]CKLAAAFSAY